The following is an entry in ClinVar:

ClinVar aggregate classification (germline): Uncertain significance (1 of 4 stars; one submission).

gnomAD v4.1: 5 of 1,614,182 alleles (0.00031%); highest among the groups gnomAD compares: Non-Finnish European, 0.00042%; no homozygotes.

Submission:

Ambry Genetics
Classification: Uncertain significance. Last evaluated: 2025-01-07. Review status: criteria provided, single submitter. Criteria: Ambry Variant Classification Scheme 2023. Collection method: clinical testing. Allele origin: germline.
Comment: The p.H1320Q variant (also known as c.3960C>A), located in coding exon 14 of the CDK12 gene, results from a C to A substitution at nucleotide position 3960. The histidine at codon 1320 is replaced by glutamine, an amino acid with highly similar properties. This amino acid position is conserved. In addition, this alteration is predicted to be tolerated by in silico analysis. Based on the available evidence, the clinical significance of this variant remains unclear.

NM_016507.4(CDK12):c.3960C>A (p.His1320Gln)

Gene: CDK12 (cyclin dependent kinase 12; plus strand). Cytogenetic location: 17q12.
Variant type: single nucleotide variant.
Coding change: c.3960C>A on transcript NM_016507.4 (MANE Select); coding-DNA position 3960, C replaced by A.
Protein change: p.His1320Gln; replaces histidine 1320 with glutamine.
Molecular consequence: missense variant.
Genome position (GRCh38, 1-based): chr17:39,530,803, C>A. VCF-style: chr17-39530803-C-A. GRCh37 (hg19) VCF-style: chr17-37687056-C-A.
Other names: c.3933C>A, p.His1311Gln (NM_015083.4); short protein forms H1311Q, H1320Q.
Identifiers: ClinVar variation 3830466 (VCV003830466.1).